The following is an entry in ClinVar:

ClinVar aggregate classification (germline): Uncertain significance (1 of 4 stars; one submission).

Conditions:
Emery-Dreifuss muscular dystrophy 5, autosomal dominant (EDMD5). Also called: EMERY-DREIFUSS MUSCULAR DYSTROPHY 5. Identifiers: Orphanet 261, MedGen C2751805, MONDO:0013072, OMIM 612999.

Allele frequency attached by ClinVar (database versions not stated): gnomAD 0.00003; gnomAD exomes 0.00003; TOPMed 0.00003; ExAC 0.00004; ESP Exome Variant Server 0.00015.
gnomAD v4.1: 74 of 1,614,066 alleles (0.0046%); highest among the groups gnomAD compares: Non-Finnish European, 0.0061%; no homozygotes.

Submission:

Labcorp Genetics (formerly Invitae), Labcorp
Classification: Uncertain significance for Emery-Dreifuss muscular dystrophy 5, autosomal dominant. Last evaluated: 2025-03-16. Review status: criteria provided, single submitter. Criteria: Invitae Variant Classification Sherloc (09022015). Collection method: clinical testing. Allele origin: germline.
Comment: This sequence change replaces tryptophan, which is neutral and slightly polar, with arginine, which is basic and polar, at codon 5898 of the SYNE2 protein (p.Trp5898Arg). This variant is present in population databases (rs147971588, gnomAD 0.007%). This variant has not been reported in the literature in individuals affected with SYNE2-related conditions. ClinVar contains an entry for this variant (Variation ID: 966561). An algorithm developed to predict the effect of missense changes on protein structure and function (PolyPhen-2) suggests that this variant is likely to be disruptive. In summary, the available evidence is currently insufficient to determine the role of this variant in disease. Therefore, it has been classified as a Variant of Uncertain Significance.

NM_182914.3(SYNE2):c.17692T>C (p.Trp5898Arg)

Gene: SYNE2 (spectrin repeat containing nuclear envelope protein 2; plus strand). Cytogenetic location: 14q23.2.
Variant type: single nucleotide variant.
Coding change: c.17692T>C on transcript NM_182914.3 (MANE Select); coding-DNA position 17692, T replaced by C.
Protein change: p.Trp5898Arg; replaces tryptophan 5898 with arginine.
Molecular consequence: missense variant.
Genome position (GRCh38, 1-based): chr14:64,186,559, T>C. VCF-style: chr14-64186559-T-C. GRCh37 (hg19) VCF-style: chr14-64653277-T-C.
Other names: c.17692T>C, p.Trp5898Arg (NM_015180.6); short protein forms W5898R.
Identifiers: ClinVar variation 966561 (VCV000966561.7), dbSNP rs147971588, ClinGen allele CA7223789.